The following is an entry in ClinVar:

ClinVar aggregate classification (germline): Uncertain significance (1 of 4 stars; one submission).

Allele frequency attached by ClinVar (database versions not stated): 1000 Genomes Project 30x 0.00016; 1000 Genomes Project 0.00020; gnomAD 0.00002.
gnomAD v4.1: 14 of 1,613,880 alleles (0.00087%); highest among the groups gnomAD compares: Admixed American, 0.0067%; no homozygotes.

Submission:

Labcorp Genetics (formerly Invitae), Labcorp
Classification: Uncertain significance. Last evaluated: 2025-11-18. Review status: criteria provided, single submitter. Criteria: Invitae Variant Classification Sherloc (09022015). Collection method: clinical testing. Allele origin: germline.
Comment: This sequence change replaces arginine, which is basic and polar, with histidine, which is basic and polar, at codon 630 of the DCHS1 protein (p.Arg630His). This variant is present in population databases (rs187784912, gnomAD 0.003%). This variant has not been reported in the literature in individuals affected with DCHS1-related conditions. ClinVar contains an entry for this variant (Variation ID: 2958229). Invitae Evidence Modeling of protein sequence and biophysical properties (such as structural, functional, and spatial information, amino acid conservation, physicochemical variation, residue mobility, and thermodynamic stability) indicates that this missense variant is expected to disrupt DCHS1 protein function with a positive predictive value of 80%. In summary, the available evidence is currently insufficient to determine the role of this variant in disease. Therefore, it has been classified as a Variant of Uncertain Significance.

NM_003737.4(DCHS1):c.1889G>A (p.Arg630His)

Gene: DCHS1 (dachsous cadherin-related 1; minus strand). Cytogenetic location: 11p15.4.
Variant type: single nucleotide variant.
Coding change: c.1889G>A on transcript NM_003737.4 (MANE Select); coding-DNA position 1889, G replaced by A.
Protein change: p.Arg630His; replaces arginine 630 with histidine.
Molecular consequence: missense variant.
Genome position (GRCh38, 1-based): chr11:6,634,215, C>T on the plus strand (G>A on the coding strand, the complement: DCHS1 is on the minus strand). VCF-style: chr11-6634215-C-T. GRCh37 (hg19) VCF-style: chr11-6655446-C-T.
Other names: short protein forms R630H.
Identifiers: ClinVar variation 2958229 (VCV002958229.3), dbSNP rs187784912, ClinGen allele CA217299694.